The following is an entry in ClinVar:

NM_001170629.2(CHD8):c.315A>G (p.Pro105=)

Gene: CHD8 (chromodomain helicase DNA binding protein 8; minus strand). Cytogenetic location: 14q11.2.
Variant type: single nucleotide variant.
Coding change: c.315A>G on transcript NM_001170629.2 (MANE Select); coding-DNA position 315, A replaced by G.
Protein change: p.Pro105=; no amino-acid change (proline 105 retained).
Molecular consequence: synonymous variant. On other transcripts: intron variant (1).
Genome position (GRCh38, 1-based): chr14:21,431,329, T>C on the plus strand (A>G on the coding strand, the complement: CHD8 is on the minus strand). VCF-style: chr14-21431329-T-C. GRCh37 (hg19) VCF-style: chr14-21899488-T-C.
Other names: c.6+482A>G (NM_020920.4).
Identifiers: ClinVar variation 731382 (VCV000731382.13), dbSNP rs759477487, ClinGen allele CA7091974.

ClinVar aggregate classification (germline): Likely benign. Review status: criteria provided, multiple submitters, no conflicts (2 of 4 stars). 2 submissions from 2 submitters: Likely benign (2). Last evaluated 2025-10-01.

Allele frequency attached by ClinVar (database versions not stated): gnomAD exomes 0.00003 and 0.00010; gnomAD 0.00004 and 0.00005; TOPMed 0.00007; ExAC 0.00020.
gnomAD v4.1: 58 of 1,540,978 alleles (0.0038%); highest among the groups gnomAD compares: Middle Eastern, 0.017%; no homozygotes.

Submissions (2):

CeGaT Center for Human Genetics Tuebingen
Classification: Likely benign. Last evaluated: 2025-10-01. Review status: criteria provided, single submitter. Criteria: CeGaT Center For Human Genetics Tuebingen Variant Classification Criteria Version 2. Collection method: clinical testing. Allele origin: germline. Affected: yes. Observed: 1 variant allele.
Comment: CHD8: BP4, BP7

Labcorp Genetics (formerly Invitae), Labcorp
Classification: Likely benign. Last evaluated: 2025-01-25. Review status: criteria provided, single submitter. Criteria: Invitae Variant Classification Sherloc (09022015). Collection method: clinical testing. Allele origin: germline.